The following is an entry in ClinVar:

ClinVar aggregate classification (germline): Uncertain significance. Review status: criteria provided, multiple submitters, no conflicts (2 of 4 stars). 2 submissions from 2 submitters: Uncertain significance (2). Last evaluated 2023-05-17.

Conditions:
Gastrointestinal stromal tumor. Also called: Gastrointestinal stromal tumor, somatic; Gastrointestinal stroma tumor. Identifiers: Orphanet 44890, MedGen C0238198, MeSH D046152, MONDO:0011719, OMIM 606764, HP:0100723.

Submissions (2):

Baylor Genetics
Classification: Uncertain significance for Gastrointestinal stromal tumor. Last evaluated: 2023-05-17. Review status: criteria provided, single submitter. Criteria: ACMG Guidelines, 2015. Collection method: clinical testing. Allele origin: unknown.

Labcorp Genetics (formerly Invitae), Labcorp
Classification: Uncertain significance for Gastrointestinal stromal tumor. Last evaluated: 2022-09-02. Review status: criteria provided, single submitter. Criteria: Invitae Variant Classification Sherloc (09022015). Collection method: clinical testing. Allele origin: germline.
Comment: This variant is not present in population databases (gnomAD no frequency). This sequence change replaces leucine, which is neutral and non-polar, with arginine, which is basic and polar, at codon 223 of the KIT protein (p.Leu223Arg). This variant has not been reported in the literature in individuals affected with KIT-related conditions. In summary, the available evidence is currently insufficient to determine the role of this variant in disease. Therefore, it has been classified as a Variant of Uncertain Significance. Algorithms developed to predict the effect of missense changes on protein structure and function (SIFT, PolyPhen-2, Align-GVGD) all suggest that this variant is likely to be disruptive.

NM_000222.3(KIT):c.668T>G (p.Leu223Arg)

Gene: KIT (KIT proto-oncogene, receptor tyrosine kinase; plus strand). Cytogenetic location: 4q12.
Variant type: single nucleotide variant.
Coding change: c.668T>G on transcript NM_000222.3 (MANE Select); coding-DNA position 668, T replaced by G.
Protein change: p.Leu223Arg; replaces leucine 223 with arginine.
Molecular consequence: missense variant.
Genome position (GRCh38, 1-based): chr4:54,699,678, T>G. VCF-style: chr4-54699678-T-G. GRCh37 (hg19) VCF-style: chr4-55565844-T-G.
Other names: c.668T>G, p.Leu223Arg (NM_001093772.2, NM_001385284.1, NM_001385285.1 and 4 more transcripts); short protein forms L223R.
Identifiers: ClinVar variation 1955301 (VCV001955301.6), dbSNP rs2475456836, ClinGen allele CA356898264.